The following is an entry in ClinVar:

NM_001393769.1(MED12L):c.2746_2747dup (p.Cys917fs)

Genes: MED12L (mediator complex subunit 12L; plus strand), P2RY12 (purinergic receptor P2Y12; minus strand). Cytogenetic location: 3q25.1.
Variant type: Microsatellite.
Coding change: c.2746_2747dup on transcript NM_001393769.1 (MANE Select); coding-DNA positions 2746 to 2747, 2 bases duplicated (GT; older notation c.2746_2747dupGT).
Protein change: p.Cys917fs; shifts the reading frame from cysteine 917.
Molecular consequence: frameshift variant. On other transcripts: intron variant (1).
Genome position (GRCh38, 1-based): chr3:151,357,297-151,357,298, GT duplicated; duplicating any 2 consecutive bases within chr3:151,357,292-151,357,298 gives the same sequence; the c. name uses the placement nearest the transcript's 3' end. VCF-style (leftmost placement, unchanged base first): chr3-151357291-C-CTG. GRCh37 (hg19) VCF-style: chr3-151075079-C-CTG.
Other names: c.2641_2642dup (NM_053002.5); c.2641_2642dup, p.Cys882fs (NM_053002.6); c.-179-16537CA[4] (NM_022788.5); short protein forms C882fs, C917fs.
Identifiers: ClinVar variation 1705475 (VCV001705475.1), dbSNP rs2473572861, ClinGen allele CA2580615997.

ClinVar aggregate classification (germline): Likely pathogenic (1 of 4 stars; one submission).

Conditions:
Nizon-Isidor syndrome. Identifiers: MedGen C5394350, MONDO:0030030, OMIM 618872.

Submission:

3billion
Classification: Likely pathogenic for Nizon-Isidor syndrome. Last evaluated: 2022-09-01. Review status: criteria provided, single submitter. Criteria: ACMG Guidelines, 2015. Collection method: clinical testing. Allele origin: germline. Affected: yes. Observed: 1 heterozygote.
Comment: The variant is not observed in the gnomAD v2.1.1 dataset. Frameshift variant is predicted to result in a loss or disruption of normal protein function through nonsense-mediated decay (NMD) or protein truncation. Multiple pathogenic variants are reported downstream of the variant. Therefore, this variant is classified as Likely pathogenic according to the recommendation of ACMG/AMP guideline.